The following is an entry in ClinVar:

ClinVar aggregate classification (germline): Conflicting classifications of pathogenicity. Review status: criteria provided, conflicting classifications (1 of 4 stars). 7 submissions from 7 submitters: Likely pathogenic (3); Uncertain significance (3). 1 of the submissions does not count toward it. Last evaluated 2026-03-04.

Conditions:
Hereditary cancer-predisposing syndrome. Also called: Tumor predisposition; Neoplastic Syndromes, Hereditary; Hereditary Cancer Syndrome; Hereditary neoplastic syndrome. Identifiers: Orphanet 140162, MedGen C0027672, MeSH D009386, MONDO:0015356.
Ataxia-telangiectasia syndrome (AT). Also called: Ataxia-telangiectasia; Ataxia-telangiectasia, complementation group D; AT, COMPLEMENTATION GROUP C; Ataxia telangiectasia (A-T); Cerebello-oculocutaneous telangiectasia; Immunodeficiency with ataxia telangiectasia. Identifiers: Orphanet 100, MedGen C0004135, MONDO:0008840, OMIM 208900.

Submissions (7):

Women's Health and Genetics/Laboratory Corporation of America, LabCorp
Classification: Likely pathogenic for Ataxia-telangiectasia syndrome. Last evaluated: 2026-03-04. Review status: criteria provided, single submitter. Criteria: LabCorp Variant Classification Summary - May 2015. Collection method: clinical testing. Allele origin: germline.
Comment: Variant summary: ATM c.3886C>T (p.Pro1296Ser) results in a non-conservative amino acid change in the encoded protein sequence. Algorithms developed to predict the effect of missense changes on protein structure and function are either unavailable or do not agree on the potential impact of this missense change. The variant was absent in ~1,600,000 control chromosomes in the gnomAD database (v4.1 dataset). The available data on variant occurrences in the general population are insufficient to allow any conclusion about variant significance. c.3886C>T has been observed in the (presumed) compound heterozygous state in at least 1 individual affected with autosomal recessive Ataxia-telangiectasia (A-T) syndrome (Soukupova_2011). Further, another individual with A-T was reported by an external laboratory in ClinVar, however the genotypic details weren't provided for independent review (SCV000668148; Ambry Genetics). In addition, the variant was also reported in a cohort of patients affected with pancreatic cancer (Grant_2015). To our knowledge, no experimental evidence demonstrating an impact on protein function has been reported. However, sequence comparison with other vertebrate species indicates the variant is located to a highly conserved region, and the Pro residue at this codon is phylogenetically constrained (e.g. PMID 29358731). The following publications have been ascertained in the context of this evaluation (PMID: 32726432, 32321774, 26718692, 25479140, 29926184, 21833744, 25115387, 25589618). ClinVar contains an entry for this variant (Variation ID: 220775). Based on the evidence outlined above, the variant was classified as likely pathogenic.

Labcorp Genetics (formerly Invitae), Labcorp
Classification: Uncertain significance for Ataxia-telangiectasia syndrome. Last evaluated: 2025-10-12. Review status: criteria provided, single submitter. Criteria: Invitae Variant Classification Sherloc (09022015). Collection method: clinical testing. Allele origin: germline.
Comment: This sequence change replaces proline, which is neutral and non-polar, with serine, which is neutral and polar, at codon 1296 of the ATM protein (p.Pro1296Ser). This variant is not present in population databases (gnomAD no frequency). This missense change has been observed in individual(s) with ataxia-telangiectasia (PMID: 21833744). In at least one individual the data is consistent with being in trans (on the opposite chromosome) from a pathogenic variant. ClinVar contains an entry for this variant (Variation ID: 220775). Invitae Evidence Modeling of protein sequence and biophysical properties (such as structural, functional, and spatial information, amino acid conservation, physicochemical variation, residue mobility, and thermodynamic stability) has been performed for this missense variant. However, the output from this modeling did not meet the statistical confidence thresholds required to predict the impact of this variant on ATM protein function. In summary, the available evidence is currently insufficient to determine the role of this variant in disease. Therefore, it has been classified as a Variant of Uncertain Significance.

Ambry Genetics
Classification: Likely pathogenic for Hereditary cancer-predisposing syndrome. Last evaluated: 2025-09-08. Review status: criteria provided, single submitter. Criteria: Ambry Variant Classification Scheme 2023. Collection method: clinical testing. Allele origin: germline.
Comment: The p.P1296S variant (also known as c.3886C>T), located in coding exon 25 of the ATM gene, results from a C to T substitution at nucleotide position 3886. The proline at codon 1296 is replaced by serine, an amino acid with similar properties. This alteration has been reported in an individual diagnosed with ataxia-telangiectasia (A-T) in conjunction with a pathogenic ATM mutation (Soukupova J et al. Neuromolecular Med. 2011 Sep;13:204-11). This variant has also been confirmed in trans with an ATM likely pathogenic variant in a second individual with clinical features of A-T (academic collaborator personal communication). This amino acid position is highly conserved in available vertebrate species. In addition, this alteration is predicted to be deleterious by in silico analysis. This variant is considered to be rare based on population cohorts in the Genome Aggregation Database (gnomAD). Based on the majority of available evidence to date, this variant is likely to be pathogenic.

Natera, Inc.
Classification: Likely pathogenic for Ataxia-telangiectasia. Last evaluated: 2024-02-26. Review status: criteria provided, single submitter. Criteria: Natera Variant Classification Schema (03/2026). Collection method: clinical testing. Allele origin: germline.
Comment: The c.3886C>T variant in ATM is a missense variant predicted to cause substitution of proline to serine at amino acid 1296. This variant is rare in the general population with a frequency below the threshold expected for the associated phenotype(s). This variant has been observed in one or more individuals affected with the associated recessive disease, as either homozygous or compound heterozygous with a second variant (PMID: 21833744). This variant has been identified in one or more affected individuals with a phenotype highly consistent with the associated gene (PMID: 21833744). Computational prediction algorithms indicate this variant is likely to affect gene or protein function. Given the available evidence, this variant is classified as Likely Pathogenic.

GeneDx
Classification: Uncertain significance. Last evaluated: 2022-12-13. Review status: criteria provided, single submitter. Criteria: GeneDx Variant Classification Process June 2021. Collection method: clinical testing. Allele origin: germline. Affected: yes.
Comment: Not observed at significant frequency in large population cohorts (gnomAD); In silico analysis supports that this missense variant has a deleterious effect on protein structure/function; This variant is associated with the following publications: (PMID: 25115387, 25589618, 26718692, 21833744)

Color Diagnostics, LLC DBA Color Health
Classification: Uncertain significance for Hereditary cancer-predisposing syndrome. Last evaluated: 2019-05-08. Review status: criteria provided, single submitter. Criteria: ACMG Guidelines, 2015. Collection method: clinical testing. Allele origin: germline.

Counsyl
Classification: Uncertain significance for Ataxia-telangiectasia syndrome. Last evaluated: 2017-05-02. Review status: no assertion criteria provided. Collection method: clinical testing. Allele origin: unknown. Not counted in ClinVar's aggregate classification.

Literature cited by the submitters: PubMed 25479140 (cited by Women's Health and Genetics/Laboratory Corporation of America, LabCorp); PubMed 25589618 (cited by Women's Health and Genetics/Laboratory Corporation of America, LabCorp); PubMed 25115387 (cited by Women's Health and Genetics/Laboratory Corporation of America, LabCorp); PubMed 21833744 (cited by 5 submitters); PubMed 32321774 (cited by Women's Health and Genetics/Laboratory Corporation of America, LabCorp); PubMed 32726432 (cited by Women's Health and Genetics/Laboratory Corporation of America, LabCorp); PubMed 26718692 (cited by Women's Health and Genetics/Laboratory Corporation of America, LabCorp); PubMed 29926184 (cited by Women's Health and Genetics/Laboratory Corporation of America, LabCorp).

NM_000051.4(ATM):c.3886C>T (p.Pro1296Ser)

Gene: ATM (ATM serine/threonine kinase; plus strand). Cytogenetic location: 11q22.3.
Variant type: single nucleotide variant.
Coding change: c.3886C>T on transcript NM_000051.4 (MANE Select); coding-DNA position 3886, C replaced by T.
Protein change: p.Pro1296Ser; replaces proline 1296 with serine.
Molecular consequence: missense variant.
Genome position (GRCh38, 1-based): chr11:108,284,366, C>T. VCF-style: chr11-108284366-C-T. GRCh37 (hg19) VCF-style: chr11-108155093-C-T.
Other names: c.3886C>T, p.Pro1296Ser (NM_001351834.2); short protein forms P1296S.
Identifiers: ClinVar variation 220775 (VCV000220775.26), dbSNP rs864622654, ClinGen allele CA350768.